The following is an entry in ClinVar:

NM_006060.6(IKZF1):c.417C>T (p.His139=)

Gene: IKZF1 (IKAROS family zinc finger 1; plus strand). Cytogenetic location: 7p12.2.
Variant type: single nucleotide variant.
Coding change: c.417C>T on transcript NM_006060.6 (MANE Select); coding-DNA position 417, C replaced by T.
Protein change: p.His139=; no amino-acid change (histidine 139 retained).
Molecular consequence: synonymous variant. On other transcripts: intron variant (9).
Genome position (GRCh38, 1-based): chr7:50,376,789, C>T. VCF-style: chr7-50376789-C-T. GRCh37 (hg19) VCF-style: chr7-50444487-C-T.
Other names: c.417C>T, p.His139= (NM_001220765.3, NM_001220768.2, NM_001220771.2 and 1 more transcripts); c.477C>T, p.His159= (NM_001410879.1); c.161-5751C>T (NM_001291839.2, NM_001291838.2, NM_001220767.2 and 1 more transcripts); c.161-10556C>T (NM_001291841.1, NM_001291842.1); c.161-14940C>T (NM_001291843.1, NM_001291844.1); c.161-23129C>T (NM_001291840.1).
Identifiers: ClinVar variation 1976791 (VCV001976791.5), dbSNP rs2153470248, ClinGen allele CA455160939.

ClinVar aggregate classification (germline): Uncertain significance (1 of 4 stars; one submission).

Submission:

Labcorp Genetics (formerly Invitae), Labcorp
Classification: Uncertain significance. Last evaluated: 2023-10-03. Review status: criteria provided, single submitter. Criteria: Invitae Variant Classification Sherloc (09022015). Collection method: clinical testing. Allele origin: germline.
Comment: This sequence change affects codon 139 of the IKZF1 mRNA. It is a 'silent' change, meaning that it does not change the encoded amino acid sequence of the IKZF1 protein. This variant is not present in population databases (gnomAD no frequency). This variant has not been reported in the literature in individuals affected with IKZF1-related conditions. ClinVar contains an entry for this variant (Variation ID: 1976791). Experimental studies and prediction algorithms are not available or were not evaluated, and the effect of this variant on mRNA splicing is currently unknown. In summary, the available evidence is currently insufficient to determine the role of this variant in disease. Therefore, it has been classified as a Variant of Uncertain Significance.